The following is an entry in ClinVar:

NM_145649.5(GCNT2):c.926-34499A>G

Gene: GCNT2 (glucosaminyl (N-acetyl) transferase 2 (I blood group); plus strand). Cytogenetic location: 6p24.3.
Variant type: single nucleotide variant.
Coding change: c.926-34499A>G on transcript NM_145649.5 (MANE Select); 34499 bases into the intron before coding-DNA position 926, A replaced by G.
Molecular consequence: intron variant. On other transcripts: missense variant (1).
Genome position (GRCh38, 1-based): chr6:10,586,852, A>G. VCF-style: chr6-10586852-A-G. GRCh37 (hg19) VCF-style: chr6-10587085-A-G.
Other names: c.863A>G, p.Gln288Arg (NM_145655.4); c.926-34499A>G (NM_001374747.1); c.919+29510A>G (NM_001491.3); short protein forms Q288R.
Identifiers: ClinVar variation 4977585 (VCV004977585.1).
Genomic context (GRCh38, chr6:10,586,852, plus strand): 5'-CGCTTACCAGAGACTTTGTCGACTTTGTTCTACGTGACCAAAGGGCCATTGATCTACTAC[A>G]ATGGTCAAAAGATACCTATAGTCCTGATGAGCATTTCTGGGTGACACTTAATAGGGTTTC-3'

ClinVar aggregate classification (germline): Uncertain significance (1 of 4 stars; one submission).

Conditions:
GCNT2-related disorder. Also called: GCNT2-related condition.

gnomAD v4.1: 6 of 1,613,926 alleles (0.00037%); highest among the groups gnomAD compares: Non-Finnish European, 0.00051%; no homozygotes.

Submission:

PreventionGenetics, part of Exact Sciences
Classification: Uncertain significance for GCNT2-related condition. Last evaluated: 2025-10-02. Review status: criteria provided, single submitter. Criteria: ACMG Guidelines, 2015. Collection method: clinical testing. Allele origin: germline.
Comment: The GCNT2 c.863A>G variant is predicted to result in the amino acid substitution p.Gln288Arg. In the transcript that is specifically expressed in the lens of the eye (NM_001491.2), this variant is found within an intronic region (c.919+29510A>G). To our knowledge, this variant has not been reported in the literature. This variant is reported in 0.00088% of alleles in individuals of European (Non-Finnish) descent in gnomAD. At this time, the clinical significance of this variant is uncertain due to the absence of conclusive functional and genetic evidence.